The following is an entry in ClinVar:

ClinVar aggregate classification (germline): Likely benign (1 of 4 stars; one submission).

gnomAD v4.1: 147 of 1,611,760 alleles (0.0091%); highest among the groups gnomAD compares: East Asian, 0.031%; no homozygotes.

Submission:

CeGaT Center for Human Genetics Tuebingen
Classification: Likely benign. Last evaluated: 2025-10-01. Review status: criteria provided, single submitter. Criteria: CeGaT Center For Human Genetics Tuebingen Variant Classification Criteria Version 2. Collection method: clinical testing. Allele origin: germline. Affected: yes. Observed: 1 variant allele.
Comment: ZFHX3: BP4, BP7

NM_006885.4(ZFHX3):c.1464C>T (p.Asp488=)

Gene: ZFHX3 (zinc finger homeobox 3; minus strand). Cytogenetic location: 16q22.3.
Variant type: single nucleotide variant.
Coding change: c.1464C>T on transcript NM_006885.4 (MANE Select); coding-DNA position 1464, C replaced by T.
Protein change: p.Asp488=; no amino-acid change (aspartic acid 488 retained).
Molecular consequence: synonymous variant. On other transcripts: intron variant (1).
Genome position (GRCh38, 1-based): chr16:72,958,682, G>A on the plus strand (C>T on the coding strand, the complement: ZFHX3 is on the minus strand). VCF-style: chr16-72958682-G-A. GRCh37 (hg19) VCF-style: chr16-72992581-G-A.
Other names: c.1464C>T, p.Asp488= (NM_001386735.1); c.-23-7717C>T (NM_001164766.2).
Identifiers: ClinVar variation 4534017 (VCV004534017.6).